The following is an entry in ClinVar:

ClinVar aggregate classification (germline): Pathogenic/Likely pathogenic. Review status: criteria provided, multiple submitters, no conflicts (2 of 4 stars). 8 submissions from 8 submitters: Pathogenic (4); Likely pathogenic (1). 3 of the submissions do not count toward it. Last evaluated 2024-03-17.

Conditions:
Hyperphosphatasia with impaired intellectual development syndrome 4. Also called: Hyperphosphatasia with intellectual disability syndrome 4; GLYCOSYLPHOSPHATIDYLINOSITOL BIOSYNTHESIS DEFECT 10. Identifiers: Orphanet 247262, MedGen C3810354, MONDO:0014318, OMIM 615716.

Allele frequency attached by ClinVar (database versions not stated): gnomAD exomes below 0.00001.
gnomAD v4.1: 1 of 1,609,322 alleles (0.000062%); highest among the groups gnomAD compares: Middle Eastern, 0.016%; no homozygotes.

Submissions (8):

Genomic Medicine Center of Excellence, King Faisal Specialist Hospital and Research Centre
Classification: Pathogenic for Hyperphosphatasia with impaired intellectual development syndrome 4. Last evaluated: 2024-03-17. Review status: criteria provided, single submitter. Criteria: ACMG Guidelines, 2015. Collection method: research. Allele origin: germline.

Revvity Omics, Revvity
Classification: Pathogenic for Hyperphosphatasia with impaired intellectual development syndrome 4. Last evaluated: 2022-04-07. Review status: criteria provided, single submitter. Criteria: ACMG Guidelines, 2015. Collection method: clinical testing. Allele origin: germline.

Baylor Genetics
Classification: Pathogenic for Hyperphosphatasia with impaired intellectual development syndrome 4. Last evaluated: 2020-05-05. Review status: criteria provided, single submitter. Criteria: ACMG Guidelines, 2015. Collection method: clinical testing. Allele origin: unknown. Affected: yes.
Comment: This variant was determined to be pathogenic according to ACMG Guidelines, 2015 [PMID:25741868].

CENTOGENE GmbH and LLC - Guiding Precision Medicine
Classification: Likely pathogenic for Hyperphosphatasia with impaired intellectual development syndrome 4. Review status: criteria provided, single submitter. Criteria: ACMG Guidelines, 2015. Collection method: clinical testing. Allele origin: germline. Affected: yes.

Pathology and Clinical Laboratory Medicine, King Fahad Medical City
Classification: Pathogenic for Hyperphosphatasia with impaired intellectual development syndrome 4. Review status: criteria provided, single submitter. Criteria: ACMG Guidelines, 2015. Collection method: clinical testing. Allele origin: germline. Affected: yes. Observed: 1 variant allele.

Clinical Laboratory Sciences Program (CLSP), King Saud bin Abdulaziz University for Health Sciences (KSAU-HS)
Classification: Pathogenic for Hyperphosphatasia with impaired intellectual development syndrome 4. Last evaluated: 2023-04-01. Review status: no assertion criteria provided. Collection method: clinical testing. Allele origin: germline. Affected: yes. Not counted in ClinVar's aggregate classification.

OMIM
Classification: Pathogenic for HYPERPHOSPHATASIA WITH IMPAIRED INTELLECTUAL DEVELOPMENT SYNDROME 4. Last evaluated: 2022-11-07. Review status: no assertion criteria provided. Collection method: literature only. Allele origin: germline. Not counted in ClinVar's aggregate classification.

Biochemical Molecular Genetic Laboratory, King Abdulaziz Medical City
Classification: Likely pathogenic for Hyperphosphatasia with impaired intellectual development syndrome 4. Last evaluated: 2019-09-26. Review status: no assertion criteria provided. Collection method: clinical testing. Allele origin: germline. Affected: yes. Not counted in ClinVar's aggregate classification.

Literature cited by the submitters: PubMed 32860008 (cited by CENTOGENE GmbH and LLC - Guiding Precision Medicine); PubMed 29620724 (cited by OMIM); Hamosh, A. Personal Communication. 2020. Baltimore, Md. (cited by OMIM); PubMed 30345601 (cited by OMIM).

NM_033419.5(PGAP3):c.850C>T (p.His284Tyr)

Gene: PGAP3 (post-GPI attachment to proteins phospholipase 3; minus strand). Cytogenetic location: 17q12.
Variant type: single nucleotide variant.
Coding change: c.850C>T on transcript NM_033419.5 (MANE Select); coding-DNA position 850, C replaced by T.
Protein change: p.His284Tyr; replaces histidine 284 with tyrosine.
Molecular consequence: missense variant. On other transcripts: intron variant (3).
Genome position (GRCh38, 1-based): chr17:39,673,100, G>A on the plus strand (C>T on the coding strand, the complement: PGAP3 is on the minus strand). VCF-style: chr17-39673100-G-A. GRCh37 (hg19) VCF-style: chr17-37829353-G-A.
Other names: c.697C>T, p.His233Tyr (NM_001291726.2); c.787C>T, p.His263Tyr (NM_001291728.2); c.433-234C>T (NM_001291733.2); c.495-234C>T (NM_001291732.2); c.558-234C>T (NM_001291730.2); short protein forms H284Y, H263Y, H233Y.
Identifiers: ClinVar variation 800935 (VCV000800935.29), dbSNP rs759541820, ClinGen allele CA290439847.